The following is an entry in ClinVar:

ClinVar aggregate classification (germline): Conflicting classifications of pathogenicity. Review status: criteria provided, conflicting classifications (1 of 4 stars). 3 submissions from 3 submitters: Uncertain significance (2); Likely benign (1). Last evaluated 2025-09-01.

Conditions:
Dyskeratosis congenita, autosomal recessive 6 (DKCB6). Identifiers: MedGen C4225356, MONDO:0014600, OMIM 616353.
Pulmonary fibrosis and/or bone marrow failure, Telomere-related, 4. Also called: PULMONARY FIBROSIS AND/OR BONE MARROW FAILURE SYNDROME, TELOMERE-RELATED, 4. Identifiers: Orphanet 2032, MedGen C4225347, MONDO:0014612, OMIM 616371.

Allele frequency attached by ClinVar (database versions not stated): gnomAD exomes 0.00001 and 0.00003; gnomAD 0.00009 and 0.00008; TOPMed 0.00009; ESP Exome Variant Server 0.00026; ExAC 0.00008.
gnomAD v4.1: 25 of 1,545,308 alleles (0.0016%); highest among the groups gnomAD compares: African/African-American, 0.027%; no homozygotes.

Submissions (3):

Labcorp Genetics (formerly Invitae), Labcorp
Classification: Uncertain significance for Dyskeratosis congenita, autosomal recessive 6; Pulmonary fibrosis and/or bone marrow failure, Telomere-related, 4. Last evaluated: 2025-09-01. Review status: criteria provided, single submitter. Criteria: Invitae Variant Classification Sherloc (09022015). Collection method: clinical testing. Allele origin: germline.
Comment: This sequence change falls in intron 10 of the PARN gene. It does not directly change the encoded amino acid sequence of the PARN protein. It affects a nucleotide within the consensus splice site. This variant is present in population databases (rs368739970, gnomAD 0.02%). This variant has not been reported in the literature in individuals affected with PARN-related conditions. ClinVar contains an entry for this variant (Variation ID: 653186). Variants that disrupt the consensus splice site are a relatively common cause of aberrant splicing (PMID: 17576681, 9536098). Algorithms developed to predict the effect of sequence changes on RNA splicing suggest that this variant is not likely to affect RNA splicing. In summary, the available evidence is currently insufficient to determine the role of this variant in disease. Therefore, it has been classified as a Variant of Uncertain Significance.

Blueprint Genetics
Classification: Uncertain significance. Last evaluated: 2021-04-28. Review status: criteria provided, single submitter. Criteria: ACMG Guidelines, 2015. Collection method: clinical testing. Allele origin: germline.

Genetic Services Laboratory, University of Chicago
Classification: Likely benign. Last evaluated: 2020-03-11. Review status: criteria provided, single submitter. Criteria: ACMG Guidelines, 2015. Collection method: clinical testing. Allele origin: germline. Affected: no.

Literature cited by the submitters: PubMed 17576681 (cited by Labcorp Genetics (formerly Invitae), Labcorp); PubMed 9536098 (cited by Labcorp Genetics (formerly Invitae), Labcorp).

NM_002582.4(PARN):c.702+5C>T

Gene: PARN (poly(A)-specific ribonuclease; minus strand). Cytogenetic location: 16p13.12.
Variant type: single nucleotide variant.
Coding change: c.702+5C>T on transcript NM_002582.4 (MANE Select); 5 bases into the intron after coding-DNA position 702, C replaced by T.
Molecular consequence: intron variant.
Genome position (GRCh38, 1-based): chr16:14,606,479, G>A on the plus strand (C>T on the coding strand, the complement: PARN is on the minus strand). VCF-style: chr16-14606479-G-A. GRCh37 (hg19) VCF-style: chr16-14700336-G-A.
Other names: c.702+5C>T (LRG_1286t1); c.519+5C>T (NM_001134477.3); c.564+5C>T (NM_001242992.2).
Identifiers: ClinVar variation 653186 (VCV000653186.12), dbSNP rs368739970, ClinGen allele CA7912342.